The following is an entry in ClinVar:

NM_177438.3(DICER1):c.3830C>G (p.Ser1277Cys)

Gene: DICER1 (dicer 1, ribonuclease III; minus strand). Cytogenetic location: 14q32.13.
Variant type: single nucleotide variant.
Coding change: c.3830C>G on transcript NM_177438.3 (MANE Select); coding-DNA position 3830, C replaced by G.
Protein change: p.Ser1277Cys; replaces serine 1277 with cysteine.
Molecular consequence: missense variant. On other transcripts: non-coding transcript variant (6).
Genome position (GRCh38, 1-based): chr14:95,103,566, G>C on the plus strand (C>G on the coding strand, the complement: DICER1 is on the minus strand). VCF-style: chr14-95103566-G-C. GRCh37 (hg19) VCF-style: chr14-95569903-G-C.
Other names: c.3830C>G, p.Ser1277Cys (NM_001195573.1, NM_001271282.3, NM_001395694.1 and 13 more transcripts); c.3425C>G, p.Ser1142Cys (NM_001395696.1, NM_001395687.1, NM_001395688.1 and 2 more transcripts); c.2147C>G, p.Ser716Cys (NM_001395697.1); c.3548C>G, p.Ser1183Cys (NM_001395686.1); c.3263C>G, p.Ser1088Cys (NM_001395691.1); short protein forms S1142C, S716C, S1183C, S1277C, S1088C.
Identifiers: ClinVar variation 2566205 (VCV002566205.4), dbSNP rs2542693968, ClinGen allele CA390873355.

ClinVar aggregate classification (germline): Uncertain significance. Review status: criteria provided, multiple submitters, no conflicts (2 of 4 stars). 2 submissions from 2 submitters: Uncertain significance (2). Last evaluated 2024-09-06.

Conditions:
Hereditary cancer-predisposing syndrome. Also called: Neoplastic Syndromes, Hereditary; Hereditary Cancer Syndrome; Tumor predisposition; Hereditary neoplastic syndrome. Identifiers: Orphanet 140162, MedGen C0027672, MeSH D009386, MONDO:0015356.
DICER1-related tumor predisposition. Also called: DICER1 syndrome; DICER1-related pleuropulmonary blastoma cancer predisposition syndrome. Identifiers: Orphanet 284343, MedGen C3839822, MONDO:0100216.

Submissions (2):

Labcorp Genetics (formerly Invitae), Labcorp
Classification: Uncertain significance for DICER1-related tumor predisposition. Last evaluated: 2024-09-06. Review status: criteria provided, single submitter. Criteria: Invitae Variant Classification Sherloc (09022015). Collection method: clinical testing. Allele origin: germline.
Comment: This sequence change replaces serine, which is neutral and polar, with cysteine, which is neutral and slightly polar, at codon 1277 of the DICER1 protein (p.Ser1277Cys). This variant is not present in population databases (gnomAD no frequency). This variant has not been reported in the literature in individuals affected with DICER1-related conditions. ClinVar contains an entry for this variant (Variation ID: 2566205). Invitae Evidence Modeling of protein sequence and biophysical properties (such as structural, functional, and spatial information, amino acid conservation, physicochemical variation, residue mobility, and thermodynamic stability) indicates that this missense variant is not expected to disrupt DICER1 protein function with a negative predictive value of 80%. In summary, the available evidence is currently insufficient to determine the role of this variant in disease. Therefore, it has been classified as a Variant of Uncertain Significance.

Ambry Genetics
Classification: Uncertain significance for Hereditary cancer-predisposing syndrome. Last evaluated: 2023-05-21. Review status: criteria provided, single submitter. Criteria: Ambry Variant Classification Scheme 2023. Collection method: clinical testing. Allele origin: germline.
Comment: The p.S1277C variant (also known as c.3830C>G), located in coding exon 20 of the DICER1 gene, results from a C to G substitution at nucleotide position 3830. The serine at codon 1277 is replaced by cysteine, an amino acid with dissimilar properties. This amino acid position is conserved. In addition, this alteration is predicted to be tolerated by in silico analysis. Since supporting evidence is limited at this time, the clinical significance of this alteration remains unclear.